The following is an entry in ClinVar:

ClinVar aggregate classification (germline): Uncertain significance (1 of 4 stars; one submission).

Conditions:
Brugada syndrome 4 (BRGDA4). Identifiers: Orphanet 130, MedGen C2678477, MONDO:0012743, OMIM 611876.

Allele frequency attached by ClinVar (database versions not stated): gnomAD exomes below 0.00001; ExAC 0.00001.
gnomAD v4.1: 1 of 1,613,644 alleles (0.000062%); highest among the groups gnomAD compares: Non-Finnish European, 0.000085%; no homozygotes.

Submission:

Labcorp Genetics (formerly Invitae), Labcorp
Classification: Uncertain significance for Brugada syndrome 4. Last evaluated: 2024-01-15. Review status: criteria provided, single submitter. Criteria: Invitae Variant Classification Sherloc (09022015). Collection method: clinical testing. Allele origin: germline.
Comment: This sequence change replaces glycine, which is neutral and non-polar, with arginine, which is basic and polar, at codon 260 of the CACNB2 protein (p.Gly260Arg). This variant is present in population databases (rs750929086, gnomAD 0.0009%). This variant has not been reported in the literature in individuals affected with CACNB2-related conditions. Advanced modeling of protein sequence and biophysical properties (such as structural, functional, and spatial information, amino acid conservation, physicochemical variation, residue mobility, and thermodynamic stability) performed at Invitae indicates that this missense variant is expected to disrupt CACNB2 protein function with a positive predictive value of 80%. In summary, the available evidence is currently insufficient to determine the role of this variant in disease. Therefore, it has been classified as a Variant of Uncertain Significance.

NM_201596.3(CACNB2):c.940G>A (p.Gly314Arg)

Gene: CACNB2 (calcium voltage-gated channel auxiliary subunit beta 2; plus strand). Cytogenetic location: 10p12.31.
Variant type: single nucleotide variant.
Coding change: c.940G>A on transcript NM_201596.3 (MANE Select); coding-DNA position 940, G replaced by A.
Protein change: p.Gly314Arg; replaces glycine 314 with arginine.
Molecular consequence: missense variant.
Genome position (GRCh38, 1-based): chr10:18,518,964, G>A. VCF-style: chr10-18518964-G-A. GRCh37 (hg19) VCF-style: chr10-18807893-G-A.
Other names: c.775G>A, p.Gly259Arg (NM_000724.4); c.742G>A, p.Gly248Arg (NM_001167945.2); c.661G>A, p.Gly221Arg (NM_001330060.2); c.682G>A, p.Gly228Arg (NM_001410882.1); c.796G>A, p.Gly266Arg (NM_201570.3); c.856G>A, p.Gly286Arg (NM_201571.4); c.784G>A, p.Gly262Arg (NM_201572.4); c.778G>A, p.Gly260Arg (NM_201590.3); and 2 more; short protein forms G259R, G260R, G314R, G262R, G276R, G286R, G221R, G266R.
Identifiers: ClinVar variation 2753546 (VCV002753546.3), dbSNP rs750929086, ClinGen allele CA5429824.